The following is an entry in ClinVar:

ClinVar aggregate classification (germline): Uncertain significance. Review status: criteria provided, multiple submitters, no conflicts (2 of 4 stars). 3 submissions from 3 submitters: Uncertain significance (2). 1 of the submissions does not count toward it. Last evaluated 2026-01-25.

Conditions:
Hereditary cancer-predisposing syndrome. Also called: Hereditary neoplastic syndrome; Hereditary Cancer Syndrome; Neoplastic Syndromes, Hereditary; Tumor predisposition. Identifiers: Orphanet 140162, MedGen C0027672, MeSH D009386, MONDO:0015356.
Colorectal cancer, susceptibility to, 12 (CRCS12). Also called: COLORECTAL CANCER, SUSCEPTIBILITY TO, ON CHROMOSOME 12q24. Identifiers: Orphanet 220460, MedGen C3554460, MONDO:0014038, OMIM 615083.

Allele frequency attached by ClinVar (database versions not stated): gnomAD exomes below 0.00001.
gnomAD v4.1: 1 of 1,613,762 alleles (0.000062%); highest among the groups gnomAD compares: Non-Finnish European, 0.000085%; no homozygotes.

Submissions (3):

Labcorp Genetics (formerly Invitae), Labcorp
Classification: Uncertain significance. Last evaluated: 2026-01-25. Review status: criteria provided, single submitter. Criteria: Invitae Variant Classification Sherloc (09022015). Collection method: clinical testing. Allele origin: germline.
Comment: This sequence change replaces isoleucine, which is neutral and non-polar, with threonine, which is neutral and polar, at codon 1853 of the POLE protein (p.Ile1853Thr). This variant is not present in population databases (gnomAD no frequency). This variant has not been reported in the literature in individuals affected with POLE-related conditions. ClinVar contains an entry for this variant (Variation ID: 374971). Invitae Evidence Modeling of protein sequence and biophysical properties (such as structural, functional, and spatial information, amino acid conservation, physicochemical variation, residue mobility, and thermodynamic stability) indicates that this missense variant is not expected to disrupt POLE protein function with a negative predictive value of 80%. In summary, the available evidence is currently insufficient to determine the role of this variant in disease. Therefore, it has been classified as a Variant of Uncertain Significance.

Ambry Genetics
Classification: Uncertain significance for Hereditary cancer-predisposing syndrome. Last evaluated: 2025-04-28. Review status: criteria provided, single submitter. Criteria: Ambry Variant Classification Scheme 2023. Collection method: clinical testing. Allele origin: germline.
Comment: The p.I1853T variant (also known as c.5558T>C), located in coding exon 41 of the POLE gene, results from a T to C substitution at nucleotide position 5558. The isoleucine at codon 1853 is replaced by threonine, an amino acid with similar properties. This amino acid position is conserved. In addition, this alteration is predicted to be tolerated by in silico analysis. Based on the available evidence, the clinical significance of this variant remains unclear.

Knight Diagnostic Laboratories, Oregon Health and Sciences University
Classification: Uncertain significance for Colorectal cancer, susceptibility to, 12. Last evaluated: 2016-03-30. Review status: no assertion criteria provided. Criteria: ACMG Guidelines, 2015. Collection method: clinical testing. Allele origin: germline. Affected: no. Study: CSER-NextGen. Not counted in ClinVar's aggregate classification.

NM_006231.4(POLE):c.5558T>C (p.Ile1853Thr)

Gene: POLE (DNA polymerase epsilon, catalytic subunit; minus strand). Cytogenetic location: 12q24.33.
Variant type: single nucleotide variant.
Coding change: c.5558T>C on transcript NM_006231.4 (MANE Select); coding-DNA position 5558, T replaced by C.
Protein change: p.Ile1853Thr; replaces isoleucine 1853 with threonine.
Molecular consequence: missense variant.
Genome position (GRCh38, 1-based): chr12:132,638,134, A>G on the plus strand (T>C on the coding strand, the complement: POLE is on the minus strand). VCF-style: chr12-132638134-A-G. GRCh37 (hg19) VCF-style: chr12-133214720-A-G.
Other names: short protein forms I1853T.
Identifiers: ClinVar variation 374971 (VCV000374971.9), dbSNP rs1057519257, ClinGen allele CA16043995.